The following is an entry in ClinVar:

ClinVar aggregate classification (germline): Conflicting classifications of pathogenicity. Review status: criteria provided, conflicting classifications (1 of 4 stars). 3 submissions from 3 submitters: Likely pathogenic (1); Uncertain significance (2). Last evaluated 2024-12-02.

Conditions:
Rothmund-Thomson syndrome type 2 (RTS2). Identifiers: Orphanet 221016, MedGen C5203410, MONDO:0016369, OMIM 268400.

Submissions (3):

Mendelics
Classification: Likely pathogenic for Rothmund-Thomson syndrome type 2. Last evaluated: 2024-12-02. Review status: criteria provided, single submitter. Criteria: ACMG Guidelines, 2015. Collection method: clinical testing. Allele origin: unknown. Inheritance: Autosomal recessive inheritance. Affected: yes.
Comment: The NM_004260.4(RECQL4):c.1483+27_1483+37del variant has a GnomAD 4.1.0 frequency of 0.000003161 (5 heterozygotes) with no homozygotes. This variant occurs close to the messenger RNA processing site (splicing donor site). It has been previously described on multiple occasions in the medical literature associated with the syndrome Rothmund-Thompson (PubMed 34341987). The combination of the molecular mechanism (which is possibly related to changes in mRNA processing), the characteristics of the region where it is found and the correlation of this gene with clinical symptoms indicate that this variant is likely pathogenic. It was found in homozygous state.

GeneDx
Classification: Uncertain significance. Last evaluated: 2024-02-12. Review status: criteria provided, single submitter. Criteria: GeneDx Variant Classification Process June 2021. Collection method: clinical testing. Allele origin: germline. Affected: yes.
Comment: Identified with a second variant (phase unknown) in a patient with Rothmund-Thomson syndrome in published literature (PMID: 28486640); In silico analysis supports that this variant does not alter splicing; This variant is associated with the following publications: (PMID: 28486640)

Laboratorio de Genetica e Diagnostico Molecular, Hospital Israelita Albert Einstein
Classification: Uncertain significance for Rothmund-Thomson syndrome type 2. Last evaluated: 2022-08-13. Review status: criteria provided, single submitter. Criteria: ACMG Guidelines, 2015. Collection method: clinical testing. Allele origin: germline. Affected: yes. Observed: 1 variant allele.
Comment: ACMG classification criteria: PM2 moderated

Literature cited by the submitters: PubMed 34341987 (cited by Mendelics).

NM_004260.4(RECQL4):c.1483+27_1483+37del

Gene: RECQL4 (RecQ like helicase 4; minus strand). Cytogenetic location: 8q24.3.
Variant type: Deletion.
Coding change: c.1483+27_1483+37del on transcript NM_004260.4 (MANE Select); bases 27 to 37 of the intron after coding-DNA position 1483, 11 bases deleted (TGGGCTGAGGC).
Molecular consequence: intron variant.
Genome position (GRCh38, 1-based): chr8:144,515,113-144,515,123, GCCTCAGCCCA deleted on the plus strand (TGGGCTGAGGC on the coding strand, the reverse complement: RECQL4 is on the minus strand); deleting any 11 consecutive bases within chr8:144,515,113-144,515,133 gives the same sequence; the c. name uses the placement nearest the transcript's 3' end. VCF-style (leftmost placement, unchanged base first): chr8-144515112-GGCCTCAGCCCA-G. GRCh37 (hg19) VCF-style: chr8-145740496-GGCCTCAGCCCA-G.
Identifiers: ClinVar variation 2431799 (VCV002431799.3), dbSNP rs1365691434, ClinGen allele CA586165472.